The following is an entry in ClinVar:

ClinVar aggregate classification (germline): Uncertain significance. Review status: criteria provided, multiple submitters, no conflicts (2 of 4 stars). 3 submissions from 3 submitters: Uncertain significance (3). Last evaluated 2026-04-11.

Conditions:
Inborn genetic diseases. Identifiers: MedGen C0950123, MeSH D030342.
Wilson disease (WND). Also called: Wilson's disease. Identifiers: Orphanet 905, MedGen C0019202, MONDO:0010200, OMIM 277900. Disease mechanism: loss of function.

Allele frequency attached by ClinVar (database versions not stated): gnomAD exomes below 0.00001.

Submissions (3):

Ambry Genetics
Classification: Uncertain significance for Inborn genetic diseases. Last evaluated: 2026-04-11. Review status: criteria provided, single submitter. Criteria: Ambry Variant Classification Scheme 2023. Collection method: clinical testing. Allele origin: germline.
Comment: The c.895G>C (p.V299L) alteration is located in exon 2 (coding exon 2) of the ATP7B gene. This alteration results from a G to C substitution at nucleotide position 895, causing the valine (V) at amino acid position 299 to be replaced by a leucine (L). Based on data from gnomAD, the C allele has an overall frequency of <0.001% (1/248878) total alleles studied. The highest observed frequency was 0.001% (1/112722) of European (non-Finnish) alleles. Based on insufficient or conflicting evidence, the clinical significance of this alteration remains unclear.

Labcorp Genetics (formerly Invitae), Labcorp
Classification: Uncertain significance for Wilson disease. Last evaluated: 2021-11-25. Review status: criteria provided, single submitter. Criteria: Invitae Variant Classification Sherloc (09022015). Collection method: clinical testing. Allele origin: germline.
Comment: This sequence change replaces valine, which is neutral and non-polar, with leucine, which is neutral and non-polar, at codon 299 of the ATP7B protein (p.Val299Leu). This variant is present in population databases (no rsID available, gnomAD 0.0009%). This variant has not been reported in the literature in individuals affected with ATP7B-related conditions. ClinVar contains an entry for this variant (Variation ID: 1029612). Advanced modeling of protein sequence and biophysical properties (such as structural, functional, and spatial information, amino acid conservation, physicochemical variation, residue mobility, and thermodynamic stability) performed at Invitae indicates that this missense variant is not expected to disrupt ATP7B protein function. In summary, the available evidence is currently insufficient to determine the role of this variant in disease. Therefore, it has been classified as a Variant of Uncertain Significance.

Baylor Genetics
Classification: Uncertain significance for Wilson disease. Last evaluated: 2019-04-19. Review status: criteria provided, single submitter. Criteria: ACMG Guidelines, 2015. Collection method: clinical testing. Allele origin: unknown. Affected: yes.
Comment: This variant was determined to be of uncertain significance according to ACMG Guidelines, 2015 [PMID:25741868].

NM_000053.4(ATP7B):c.895G>C (p.Val299Leu)

Gene: ATP7B (ATPase copper transporting beta; minus strand). Cytogenetic location: 13q14.3.
Variant type: single nucleotide variant.
Coding change: c.895G>C on transcript NM_000053.4 (MANE Select); coding-DNA position 895, G replaced by C.
Protein change: p.Val299Leu; replaces valine 299 with leucine.
Molecular consequence: missense variant. On other transcripts: intron variant (1).
Genome position (GRCh38, 1-based): chr13:51,974,325, C>G on the plus strand (G>C on the coding strand, the complement: ATP7B is on the minus strand). VCF-style: chr13-51974325-C-G. GRCh37 (hg19) VCF-style: chr13-52548461-C-G.
Other names: c.895G>C, p.Val299Leu (NM_001005918.3, NM_001330578.2, NM_001330579.2); c.802+93G>C (NM_001243182.2); short protein forms V299L.
Identifiers: ClinVar variation 1029612 (VCV001029612.5), dbSNP rs146791250, ClinGen allele CA388040567.